The following is an entry in ClinVar:

NM_015272.5(RPGRIP1L):c.2153-4G>C

Gene: RPGRIP1L (RPGRIP1 like; minus strand). Cytogenetic location: 16q12.2.
Variant type: single nucleotide variant.
Coding change: c.2153-4G>C on transcript NM_015272.5 (MANE Select); 4 bases into the intron before coding-DNA position 2153, G replaced by C.
Molecular consequence: intron variant.
Genome position (GRCh38, 1-based): chr16:53,649,119, C>G on the plus strand (G>C on the coding strand, the complement: RPGRIP1L is on the minus strand). VCF-style: chr16-53649119-C-G. GRCh37 (hg19) VCF-style: chr16-53683031-C-G.
Other names: p.?; c.2153-4G>C (NM_001127897.4, NM_001330538.2, NM_001308334.3).
Identifiers: ClinVar variation 95689 (VCV000095689.25), dbSNP rs201380599, ClinGen allele CA223182.

ClinVar aggregate classification (germline): Conflicting classifications of pathogenicity. Review status: criteria provided, conflicting classifications (1 of 4 stars). 11 submissions from 9 submitters: Uncertain significance (3); Benign (2); Likely benign (3). 3 of the submissions do not count toward it. Last evaluated 2026-02-02.

Conditions:
Meckel-Gruber syndrome. Also called: DYSENCEPHALIA SPLANCHNOCYSTICA; GRUBER SYNDROME; Dysencephalia splachnocystica. Identifiers: Orphanet 564, MedGen C0265215, MONDO:0018921.
Joubert syndrome. Also called: JOUBERT-BOLTSHAUSER SYNDROME; Familial aplasia of the vermis. Identifiers: Orphanet 475, MedGen C5979921, MONDO:0018772.
Meckel syndrome, type 5 (MKS5). Identifiers: Orphanet 564, MedGen C1969052, MONDO:0012695, OMIM 611561.
Nephronophthisis 8. Identifiers: MedGen CN119610.
Joubert syndrome 7 (JBTS7). Identifiers: Orphanet 220497, MedGen C1969053, MONDO:0012694, OMIM 611560.

Allele frequency attached by ClinVar (database versions not stated): 1000 Genomes Project 0.00100; 1000 Genomes Project 30x 0.00125; gnomAD 0.00152 and 0.00156; gnomAD exomes 0.00152; TOPMed 0.00154; ExAC 0.00161; ESP Exome Variant Server 0.00223.
gnomAD v4.1: 3,849 of 1,613,216 alleles (0.24%); highest among the groups gnomAD compares: Non-Finnish European, 0.29%; 8 homozygotes.

Submissions (11):

Labcorp Genetics (formerly Invitae), Labcorp
Classification: Benign for Joubert syndrome; Meckel-Gruber syndrome. Last evaluated: 2026-02-02. Review status: criteria provided, single submitter. Criteria: Invitae Variant Classification Sherloc (09022015). Collection method: clinical testing. Allele origin: germline.

Blueprint Genetics
Classification: Likely benign. Last evaluated: 2024-11-08. Review status: criteria provided, single submitter. Criteria: ACMG Guidelines, 2015. Collection method: clinical testing. Allele origin: germline.

Mayo Clinic Laboratories, Mayo Clinic
Classification: Benign. Last evaluated: 2024-06-13. Review status: criteria provided, single submitter. Criteria: ACMG Guidelines, 2015. Collection method: clinical testing. Allele origin: germline. Observed: 6 variant alleles.
Comment: BS1, BS2, BP4, BP7

GeneDx
Classification: Likely benign. Last evaluated: 2020-10-30. Review status: criteria provided, single submitter. Criteria: GeneDx Variant Classification Process June 2021. Collection method: clinical testing. Allele origin: germline. Affected: yes.

Illumina Laboratory Services, Illumina
Classification: Uncertain significance for Joubert syndrome 7. Last evaluated: 2017-04-27. Review status: criteria provided, single submitter. Criteria: ICSL Variant Classification Criteria 13 December 2019. Collection method: clinical testing. Allele origin: germline.

Illumina Laboratory Services, Illumina
Classification: Uncertain significance for Nephronophthisis 8. Last evaluated: 2017-04-27. Review status: criteria provided, single submitter. Criteria: ICSL Variant Classification Criteria 13 December 2019. Collection method: clinical testing. Allele origin: germline.

Illumina Laboratory Services, Illumina
Classification: Uncertain significance for Meckel syndrome, type 5. Last evaluated: 2017-04-27. Review status: criteria provided, single submitter. Criteria: ICSL Variant Classification Criteria 13 December 2019. Collection method: clinical testing. Allele origin: germline.

Eurofins Ntd Llc (ga)
Classification: Likely benign. Last evaluated: 2015-09-19. Review status: criteria provided, single submitter. Criteria: EGL Classification Definitions 2015. Collection method: clinical testing. Allele origin: germline. Observed: 2 variant alleles, 2 heterozygotes.

Clinical Genetics DNA and cytogenetics Diagnostics Lab, Erasmus MC, Erasmus Medical Center
Classification: Likely benign. Review status: no assertion criteria provided. Collection method: clinical testing. Allele origin: germline. Affected: yes. Study: VKGL Data-share Consensus. Not counted in ClinVar's aggregate classification.

Genome Diagnostics Laboratory, University Medical Center Utrecht
Classification: Likely benign. Review status: no assertion criteria provided. Collection method: clinical testing. Allele origin: germline. Affected: yes. Study: VKGL Data-share Consensus. Not counted in ClinVar's aggregate classification.

Laboratory of Diagnostic Genome Analysis, Leiden University Medical Center (LUMC)
Classification: Likely benign. Review status: no assertion criteria provided. Collection method: clinical testing. Allele origin: germline. Affected: yes. Study: VKGL Data-share Consensus. Not counted in ClinVar's aggregate classification.